The following is an entry in ClinVar:

NM_004519.4(KCNQ3):c.156A>T (p.Gln52His)

Gene: KCNQ3 (potassium voltage-gated channel subfamily Q member 3; minus strand). Cytogenetic location: 8q24.22.
Variant type: single nucleotide variant.
Coding change: c.156A>T on transcript NM_004519.4 (MANE Select); coding-DNA position 156, A replaced by T.
Protein change: p.Gln52His; replaces glutamine 52 with histidine.
Molecular consequence: missense variant.
Genome position (GRCh38, 1-based): chr8:132,480,377, T>A on the plus strand (A>T on the coding strand, the complement: KCNQ3 is on the minus strand). VCF-style: chr8-132480377-T-A. GRCh37 (hg19) VCF-style: chr8-133492624-T-A.
Other names: short protein forms Q52H.
Identifiers: ClinVar variation 1997397 (VCV001997397.4), dbSNP rs2537398473, ClinGen allele CA372292782.

ClinVar aggregate classification (germline): Uncertain significance (1 of 4 stars; one submission).

Conditions:
Benign neonatal seizures. Also called: Convulsions benign familial neonatal dominant form; Autosomal dominant form of benign neonatal seizures; Benign familial neonatal epilepsy; Benign familial neonatal seizures; Benign neonatal familial convulsions. Identifiers: Orphanet 1949, MedGen C0220669, MONDO:0016027.

gnomAD v4.1: 2 of 1,567,952 alleles (0.00013%); highest among the groups gnomAD compares: Non-Finnish European, 0.00017%; no homozygotes.

Submission:

Labcorp Genetics (formerly Invitae), Labcorp
Classification: Uncertain significance for Benign neonatal seizures. Last evaluated: 2022-08-31. Review status: criteria provided, single submitter. Criteria: Invitae Variant Classification Sherloc (09022015). Collection method: clinical testing. Allele origin: germline.
Comment: In summary, the available evidence is currently insufficient to determine the role of this variant in disease. Therefore, it has been classified as a Variant of Uncertain Significance. Advanced modeling of protein sequence and biophysical properties (such as structural, functional, and spatial information, amino acid conservation, physicochemical variation, residue mobility, and thermodynamic stability) performed at Invitae indicates that this missense variant is not expected to disrupt KCNQ3 protein function. This variant has not been reported in the literature in individuals affected with KCNQ3-related conditions. This variant is not present in population databases (gnomAD no frequency). This sequence change replaces glutamine, which is neutral and polar, with histidine, which is basic and polar, at codon 52 of the KCNQ3 protein (p.Gln52His).